The following is an entry in ClinVar:

ClinVar aggregate classification (germline): Benign (1 of 4 stars; one submission).

Allele frequency attached by ClinVar (database versions not stated): gnomAD exomes 0.14591 and 0.19807; ExAC 0.19826; gnomAD 0.27517 and 0.28319; TOPMed 0.30571; 1000 Genomes Project 0.31829; 1000 Genomes Project 30x 0.32776.

Submission:

Laboratory for Molecular Medicine, Mass General Brigham Personalized Medicine
Classification: Benign. Last evaluated: 2016-03-29. Review status: criteria provided, single submitter. Criteria: LMM Criteria. Collection method: clinical testing. Allele origin: germline.
Comment: Variant identified in a genome or exome case(s) and assessed due to predicted null impact of the variant or pathogenic assertions in the literature or databases. Disclaimer: This variant has not undergone full assessment. The following are preliminary notes: Frequency in 1000Genomes:652/2178=29.93%

NM_001207005.2(ZNF233):c.1983del (p.Leu662fs)

Gene: ZNF233 (zinc finger protein 233; plus strand). Cytogenetic location: 19q13.31.
Variant type: Deletion.
Coding change: c.1983del on transcript NM_001207005.2 (MANE Select); coding-DNA position 1983, one base deleted (G; older notation c.1983delG).
Protein change: p.Leu662fs; shifts the reading frame from leucine 662.
Molecular consequence: frameshift variant. On other transcripts: 3 prime UTR variant (1).
Genome position (GRCh38, 1-based): chr19:44,274,643, G deleted. VCF-style (leftmost placement, unchanged base first): chr19-44274642-CG-C. GRCh37 (hg19) VCF-style: chr19-44778795-CG-C.
Other names: c.1983delG (NM_181756.2); c.*1743del (NM_001330529.2); c.1983del, p.Leu662fs (NM_181756.3); short protein forms L662fs.
Identifiers: ClinVar variation 403624 (VCV000403624.4), dbSNP rs59660444, ClinGen allele CA9498846.
Genomic context (GRCh38, chr19:44,274,642, plus strand): 5'-TCCATACTGGAGAGAAACCATACAAATGTTTTGTGTGTGGTAAGGGCTTTAGTAAGAGTT[CG>C]TTGTCTTCAGATTCATCAGAGAGTCCATGATGGTGATGAATCTATTAATCATGATGAGTG-3'